The following is an entry in ClinVar:

NM_000391.4(TPP1):c.138G>T (p.Glu46Asp)

Gene: TPP1 (tripeptidyl peptidase 1; minus strand). Cytogenetic location: 11p15.4.
Variant type: single nucleotide variant.
Coding change: c.138G>T on transcript NM_000391.4 (MANE Select); coding-DNA position 138, G replaced by T.
Protein change: p.Glu46Asp; replaces glutamic acid 46 with aspartic acid.
Molecular consequence: missense variant.
Genome position (GRCh38, 1-based): chr11:6,618,867, C>A on the plus strand (G>T on the coding strand, the complement: TPP1 is on the minus strand). VCF-style: chr11-6618867-C-A. GRCh37 (hg19) VCF-style: chr11-6640098-C-A.
Other names: p.E46D:GAG>GAT; short protein forms E46D.
Identifiers: ClinVar variation 207563 (VCV000207563.10), dbSNP rs778900807, ClinGen allele CA319154.

ClinVar aggregate classification (germline): Uncertain significance. Review status: criteria provided, multiple submitters, no conflicts (2 of 4 stars). 5 submissions from 5 submitters: Uncertain significance (4). 1 of the submissions does not count toward it. Last evaluated 2021-11-29.

Conditions:
Neuronal ceroid lipofuscinosis 2. Also called: TPP1-Related Neuronal Ceroid-Lipofuscinosis; JANSKY-BIELSCHOWSKY DISEASE NEURONAL CEROID LIPOFUSCINOSIS, LATE INFANTILE. Identifiers: Orphanet 168491, Orphanet 228349, Orphanet 79264, MedGen C1876161, MONDO:0008769, OMIM 204500.

Allele frequency attached by ClinVar (database versions not stated): ExAC 0.00001; gnomAD exomes 0.00002; TOPMed 0.00003; gnomAD 0.00004.
gnomAD v4.1: 31 of 1,613,906 alleles (0.0019%); highest among the groups gnomAD compares: Non-Finnish European, 0.0026%; no homozygotes.

Submissions (5):

Labcorp Genetics (formerly Invitae), Labcorp
Classification: Uncertain significance. Last evaluated: 2021-11-29. Review status: criteria provided, single submitter. Criteria: Invitae Variant Classification Sherloc (09022015). Collection method: clinical testing. Allele origin: germline.
Comment: This sequence change replaces glutamic acid, which is acidic and polar, with aspartic acid, which is acidic and polar, at codon 46 of the TPP1 protein (p.Glu46Asp). This variant is present in population databases (rs778900807, gnomAD 0.004%). This variant has not been reported in the literature in individuals affected with TPP1-related conditions. ClinVar contains an entry for this variant (Variation ID: 207563). Advanced modeling of protein sequence and biophysical properties (such as structural, functional, and spatial information, amino acid conservation, physicochemical variation, residue mobility, and thermodynamic stability) performed at Invitae indicates that this missense variant is not expected to disrupt TPP1 protein function. In summary, the available evidence is currently insufficient to determine the role of this variant in disease. Therefore, it has been classified as a Variant of Uncertain Significance.

Blueprint Genetics
Classification: Uncertain significance. Last evaluated: 2018-07-03. Review status: criteria provided, single submitter. Criteria: ACMG Guidelines, 2015. Collection method: clinical testing. Allele origin: germline.

Illumina Laboratory Services, Illumina
Classification: Uncertain significance for Neuronal ceroid lipofuscinosis 2. Last evaluated: 2018-01-13. Review status: criteria provided, single submitter. Criteria: ICSL Variant Classification Criteria 13 December 2019. Collection method: clinical testing. Allele origin: germline.

GeneDx
Classification: Uncertain significance. Last evaluated: 2013-06-20. Review status: criteria provided, single submitter. Criteria: GeneDx Variant Classification (06012015). Collection method: clinical testing. Allele origin: germline. Affected: yes.
Comment: p.Glu46Asp (GAG>GAT): c.138 G>T in exon 3 of the TPP1 gene (NM_000391.3)The Glu46Asp missense change has not been published as a mutation, nor has it been reported as a benign polymorphism to our knowledge. It was not observed in approximately 6,500 individuals of European and African American ancestry in the NHLBI Exome Sequencing Project, indicating it is not a common benign variant in these populations. The amino acid substitution is conservative as both Glutamic acid and Aspartic acid are negatively charged, polar amino acid residues and it alters a position that is not well conserved through evolution in the TPP1 protein. However, while two in-silico algorithms predict Glu46Asp is non-pathogenic, another model predicts it is damaging to the structure/function of the protein. Therefore, based on the currently available information, it is unclear whether Glu46Asp is a disease-causing mutation or a rare benign variant. The variant is found in INFANT-EPI panel(s).

Natera, Inc.
Classification: Uncertain significance for Neuronal ceroid lipofuscinosis 2. Last evaluated: 2020-09-16. Review status: no assertion criteria provided. Collection method: clinical testing. Allele origin: germline. Not counted in ClinVar's aggregate classification.